The following is an entry in ClinVar:

ClinVar aggregate classification (germline): Uncertain significance (1 of 4 stars; one submission).

gnomAD v4.1: 1 of 1,610,408 alleles (0.000062%); highest among the groups gnomAD compares: African/African-American, 0.0013%; no homozygotes.

Submission:

Labcorp Genetics (formerly Invitae), Labcorp
Classification: Uncertain significance. Last evaluated: 2025-11-08. Review status: criteria provided, single submitter. Criteria: Invitae Variant Classification Sherloc (09022015). Collection method: clinical testing. Allele origin: germline.
Comment: This sequence change replaces aspartic acid, which is acidic and polar, with tyrosine, which is neutral and polar, at codon 20 of the SLC44A4 protein (p.Asp20Tyr). This variant is not present in population databases (gnomAD no frequency). This variant has not been reported in the literature in individuals affected with SLC44A4-related conditions. An algorithm developed to predict the effect of missense changes on protein structure and function (PolyPhen-2) suggests that this variant is likely to be disruptive. In summary, the available evidence is currently insufficient to determine the role of this variant in disease. Therefore, it has been classified as a Variant of Uncertain Significance.

NM_025257.3(SLC44A4):c.58G>T (p.Asp20Tyr)

Gene: SLC44A4 (solute carrier family 44 member 4; minus strand). Cytogenetic location: 6p21.33.
Variant type: single nucleotide variant.
Coding change: c.58G>T on transcript NM_025257.3 (MANE Select); coding-DNA position 58, G replaced by T.
Protein change: p.Asp20Tyr; replaces aspartic acid 20 with tyrosine.
Molecular consequence: missense variant. On other transcripts: 5 prime UTR variant (1).
Genome position (GRCh38, 1-based): chr6:31,877,065, C>A on the plus strand (G>T on the coding strand, the complement: SLC44A4 is on the minus strand). VCF-style: chr6-31877065-C-A. GRCh37 (hg19) VCF-style: chr6-31844842-C-A.
Other names: c.58G>T, p.Asp20Tyr (NM_001178044.2); c.-171G>T (NM_001178045.2); short protein forms D20Y.
Identifiers: ClinVar variation 4770626 (VCV004770626.1).
Genomic context (GRCh38, chr6:31,877,065, plus strand): 5'-CAGCCCCCGGAGCAGTGCCCAGAGCTCACCTGTTCTTGATGGGGCCTCGAAAGGAGGGGT[C>A]GTATTTGACTGGCTTCCCTGAGGGACATGAGAAGAGGTGTGGAGGATGAGTCTCTCTCTG-3'
Protein context (NP_079533.2, residues 10-30): DEAYGKPVKY[Asp20Tyr]PSFRGPIKNR